The following is an entry in ClinVar:

NM_006269.2(RP1):c.4268G>T (p.Cys1423Phe)

Gene: RP1 (RP1 axonemal microtubule associated; plus strand). Cytogenetic location: 8q12.1.
Variant type: single nucleotide variant.
Coding change: c.4268G>T on transcript NM_006269.2 (MANE Select); coding-DNA position 4268, G replaced by T.
Protein change: p.Cys1423Phe; replaces cysteine 1423 with phenylalanine.
Molecular consequence: missense variant. On other transcripts: intron variant (1).
Genome position (GRCh38, 1-based): chr8:54,628,150, G>T. VCF-style: chr8-54628150-G-T. GRCh37 (hg19) VCF-style: chr8-55540710-G-T.
Other names: c.787+5862G>T (NM_001375654.1); short protein forms C1423F.
Identifiers: ClinVar variation 2298909 (VCV002298909.6), dbSNP rs752205338, ClinGen allele CA370981828.

ClinVar aggregate classification (germline): Uncertain significance. Review status: criteria provided, multiple submitters, no conflicts (2 of 4 stars). 3 submissions from 3 submitters: Uncertain significance (3). Last evaluated 2023-09-03.

Conditions:
Inborn genetic diseases. Identifiers: MedGen C0950123, MeSH D030342.

gnomAD v4.1: 4 of 1,613,956 alleles (0.00025%); highest among the groups gnomAD compares: Non-Finnish European, 0.00034%; no homozygotes.

Submissions (3):

Labcorp Genetics (formerly Invitae), Labcorp
Classification: Uncertain significance. Last evaluated: 2023-09-03. Review status: criteria provided, single submitter. Criteria: Invitae Variant Classification Sherloc (09022015). Collection method: clinical testing. Allele origin: germline.
Comment: In summary, the available evidence is currently insufficient to determine the role of this variant in disease. Therefore, it has been classified as a Variant of Uncertain Significance. Algorithms developed to predict the effect of missense changes on protein structure and function output the following: SIFT: "Not Available"; PolyPhen-2: "Benign"; Align-GVGD: "Not Available". The phenylalanine amino acid residue is found in multiple mammalian species, which suggests that this missense change does not adversely affect protein function. ClinVar contains an entry for this variant (Variation ID: 2298909). This variant has not been reported in the literature in individuals affected with RP1-related conditions. This variant is not present in population databases (gnomAD no frequency). This sequence change replaces cysteine, which is neutral and slightly polar, with phenylalanine, which is neutral and non-polar, at codon 1423 of the RP1 protein (p.Cys1423Phe).

Blueprint Genetics
Classification: Uncertain significance. Last evaluated: 2022-11-17. Review status: criteria provided, single submitter. Criteria: ACMG Guidelines, 2015. Collection method: clinical testing. Allele origin: germline.

Ambry Genetics
Classification: Uncertain significance for Inborn genetic diseases. Last evaluated: 2022-06-29. Review status: criteria provided, single submitter. Criteria: Ambry Variant Classification Scheme 2023. Collection method: clinical testing. Allele origin: germline.